The following is an entry in ClinVar:

NM_014780.5(CUL7):c.3876C>T (p.Ile1292=)

Gene: CUL7 (cullin 7; minus strand). Cytogenetic location: 6p21.1.
Variant type: single nucleotide variant.
Coding change: c.3876C>T on transcript NM_014780.5 (MANE Select); coding-DNA position 3876, C replaced by T.
Protein change: p.Ile1292=; no amino-acid change (isoleucine 1292 retained).
Molecular consequence: synonymous variant.
Genome position (GRCh38, 1-based): chr6:43,040,677, G>A on the plus strand (C>T on the coding strand, the complement: CUL7 is on the minus strand). VCF-style: chr6-43040677-G-A. GRCh37 (hg19) VCF-style: chr6-43008415-G-A.
Other names: c.3972C>T, p.Ile1324= (NM_001168370.2, NM_001374872.1); c.3876C>T, p.Ile1292= (NM_001374873.1); c.3873C>T, p.Ile1291= (NM_001374874.1).
Identifiers: ClinVar variation 260440 (VCV000260440.45), dbSNP rs147056081, ClinGen allele CA3813363.

ClinVar aggregate classification (germline): Benign/Likely benign. Review status: criteria provided, multiple submitters, no conflicts (2 of 4 stars). 6 submissions from 6 submitters: Benign (1); Likely benign (5). Last evaluated 2026-01-29.

Conditions:
3M syndrome 1. Also called: 3-M Syndrome, CUL7-Related. Identifiers: Orphanet 2616, MedGen C2678312, MONDO:0010117, OMIM 273750.

Allele frequency attached by ClinVar (database versions not stated): ESP Exome Variant Server 0.00031; gnomAD 0.00046 and 0.00052; TOPMed 0.00057; ExAC 0.00078; gnomAD exomes 0.00089; 1000 Genomes Project 30x 0.00141; 1000 Genomes Project 0.00160.
gnomAD v4.1: 853 of 1,614,192 alleles (0.053%); highest among the groups gnomAD compares: East Asian, 0.32%; 2 homozygotes.

Submissions (6):

Labcorp Genetics (formerly Invitae), Labcorp
Classification: Benign. Last evaluated: 2026-01-29. Review status: criteria provided, single submitter. Criteria: Invitae Variant Classification Sherloc (09022015). Collection method: clinical testing. Allele origin: germline.

Blueprint Genetics
Classification: Likely benign. Last evaluated: 2024-11-23. Review status: criteria provided, single submitter. Criteria: ACMG Guidelines, 2015. Collection method: clinical testing. Allele origin: germline.

CeGaT Center for Human Genetics Tuebingen
Classification: Likely benign. Last evaluated: 2022-10-01. Review status: criteria provided, single submitter. Criteria: CeGaT Center For Human Genetics Tuebingen Variant Classification Criteria Version 2. Collection method: clinical testing. Allele origin: germline. Affected: yes. Observed: 1 variant allele.
Comment: CUL7: BP4, BP7

Illumina Laboratory Services, Illumina
Classification: Likely benign for 3M syndrome 1. Last evaluated: 2018-01-13. Review status: criteria provided, single submitter. Criteria: ICSL Variant Classification Criteria 13 December 2019. Collection method: clinical testing. Allele origin: germline.
Comment: This variant was observed in the ICSL laboratory as part of a predisposition screen in an ostensibly healthy population. It had not been previously curated by ICSL or reported in the Human Gene Mutation Database (HGMD: prior to June 1st, 2018), and was therefore a candidate for classification through an automated scoring system. Utilizing variant allele frequency, disease prevalence and penetrance estimates, and inheritance mode, an automated score was calculated to assess if this variant is too frequent to cause the disease. Based on the score and internal cut-off values, a variant classified as likely benign is not then subjected to further curation. The score for this variant resulted in a classification of likely benign for this disease.

Eurofins Ntd Llc (ga)
Classification: Likely benign. Last evaluated: 2016-10-13. Review status: criteria provided, single submitter. Criteria: EGL Classification Definitions 2015. Collection method: clinical testing. Allele origin: germline. Observed: 1 variant allele, 1 heterozygote.

PreventionGenetics, part of Exact Sciences
Classification: Likely benign. Review status: criteria provided, single submitter. Criteria: ACMG Guidelines, 2015. Collection method: clinical testing. Allele origin: germline.